The following is an entry in ClinVar:

ClinVar aggregate classification (germline): Pathogenic (1 of 4 stars; one submission).

Conditions:
Deficiency of ferroxidase (ACEP). Also called: Aceruloplasminemia; Deficiency of ceruloplasmin; Ceruloplasmin deficiency; Familial apoceruloplasmin deficiency; Hereditary ceruloplasmin deficiency; NEURODEGENERATION WITH BRAIN IRON ACCUMULATION 10. Identifiers: Orphanet 48818, MedGen C0878682, MONDO:0011426, OMIM 604290, HP:0025498.

Submission:

Labcorp Genetics (formerly Invitae), Labcorp
Classification: Pathogenic for Deficiency of ferroxidase. Last evaluated: 2025-02-13. Review status: criteria provided, single submitter. Criteria: Invitae Variant Classification Sherloc (09022015). Collection method: clinical testing. Allele origin: germline.
Comment: This sequence change creates a premature translational stop signal (p.Tyr126Ilefs*49) in the CP gene. It is expected to result in an absent or disrupted protein product. Loss-of-function variants in CP are known to be pathogenic (PMID: 16629161). This variant is not present in population databases (gnomAD no frequency). This variant has not been reported in the literature in individuals affected with CP-related conditions. ClinVar contains an entry for this variant (Variation ID: 1071143). For these reasons, this variant has been classified as Pathogenic.

Literature cited by the submitters: PubMed 16629161.

NM_000096.4(CP):c.376_379del (p.Tyr126fs)

Gene: CP (ceruloplasmin; minus strand). Cytogenetic location: 3q25.1.
Variant type: Deletion.
Coding change: c.376_379del on transcript NM_000096.4 (MANE Select); coding-DNA positions 376 to 379, 4 bases deleted (TACT; older notation c.376_379delTACT).
Protein change: p.Tyr126fs; shifts the reading frame from tyrosine 126.
Molecular consequence: frameshift variant. On other transcripts: non-coding transcript variant (1).
Genome position (GRCh38, 1-based): chr3:149,212,466-149,212,469, AGTA deleted on the plus strand (TACT on the coding strand, the reverse complement: CP is on the minus strand); deleting any 4 consecutive bases within chr3:149,212,466-149,212,472 gives the same sequence; the c. name uses the placement nearest the transcript's 3' end. VCF-style (leftmost placement, unchanged base first): chr3-149212465-TAGTA-T. GRCh37 (hg19) VCF-style: chr3-148930252-TAGTA-T.
Other names: short protein forms Y126fs.
Identifiers: ClinVar variation 1071143 (VCV001071143.7), dbSNP rs2108301637, ClinGen allele CA2499216559.